The following is an entry in ClinVar:

ClinVar aggregate classification (germline): Likely pathogenic (1 of 4 stars; one submission).

Conditions:
Dilated cardiomyopathy 1G (CMD1G). Identifiers: Orphanet 154, MedGen C1858763, MONDO:0011400, OMIM 604145.
Autosomal recessive limb-girdle muscular dystrophy type 2J (LGMDR10). Also called: Limb-girdle muscular dystrophy, type 2J; MUSCULAR DYSTROPHY, LIMB-GIRDLE, AUTOSOMAL RECESSIVE 10. Identifiers: Orphanet 140922, MedGen C1837342, MONDO:0012127, OMIM 608807.

Submission:

Labcorp Genetics (formerly Invitae), Labcorp
Classification: Likely pathogenic for Dilated cardiomyopathy 1G; Autosomal recessive limb-girdle muscular dystrophy type 2J. Last evaluated: 2024-10-18. Review status: criteria provided, single submitter. Criteria: Invitae Variant Classification Sherloc (09022015). Collection method: clinical testing. Allele origin: germline.
Comment: This sequence change creates a premature translational stop signal (p.Ser9166Ilefs*9) in the TTN gene. It is expected to disrupt RNA splicing and likely results in a truncated or disrupted TTN protein. This variant is not present in population databases (gnomAD no frequency). This variant has not been reported in the literature in individuals affected with TTN-related conditions. This variant is located in the I band of TTN (PMID: 25589632). Truncating variants in this region have been reported in individuals affected with autosomal recessive centronuclear myopathy (PMID: 23975875, internal data). Truncating variants in this region have also been identified in individuals affected with autosomal dominant dilated cardiomyopathy and/or cardio-related conditions (PMID: 27869827, 32964742, internal data). In summary, the currently available evidence indicates that the variant is pathogenic, but additional data are needed to prove that conclusively. Therefore, this variant has been classified as Likely Pathogenic.

Literature cited by the submitters: PubMed 25589632; PubMed 23975875; PubMed 27869827; PubMed 32964742.

NM_001267550.2(TTN):c.27495dup (p.Ser9166fs)

Gene: TTN (titin; minus strand). Cytogenetic location: 2q31.2.
Variant type: Duplication.
Coding change: c.27495dup on transcript NM_001267550.2 (MANE Select); coding-DNA position 27495, one base duplicated (A; older notation c.27495dupA).
Protein change: p.Ser9166fs; shifts the reading frame from serine 9166.
Molecular consequence: frameshift variant. On other transcripts: intron variant (3).
Genome position (GRCh38, 1-based): chr2:178,712,427, T duplicated on the plus strand (A on the coding strand, the reverse complement: TTN is on the minus strand); the first of 5 consecutive T bases (chr2:178,712,427-178,712,431); duplicating any one gives the same sequence. VCF-style (leftmost placement, unchanged base first): chr2-178712426-A-AT. GRCh37 (hg19) VCF-style: chr2-179577153-A-AT.
Other names: c.26544dup, p.Ser8849fs (NM_001256850.1); c.23763dup, p.Ser7922fs (NM_133378.4); c.13282+25655dup (NM_003319.4); c.13858+25655dup (NM_133437.4); c.13657+25655dup (NM_133432.3); short protein forms S9166fs, S7922fs, S8849fs.
Identifiers: ClinVar variation 2944650 (VCV002944650.3), dbSNP rs2528896833, ClinGen allele CA2740096248.